The following is an entry in ClinVar:

ClinVar aggregate classification (germline): Uncertain significance (1 of 4 stars; one submission).

gnomAD v4.1: 12 of 1,613,636 alleles (0.00074%); highest among the groups gnomAD compares: East Asian, 0.0022%; no homozygotes.

Submission:

Labcorp Genetics (formerly Invitae), Labcorp
Classification: Uncertain significance. Last evaluated: 2025-12-21. Review status: criteria provided, single submitter. Criteria: Invitae Variant Classification Sherloc (09022015). Collection method: clinical testing. Allele origin: germline.
Comment: This sequence change replaces arginine, which is basic and polar, with glycine, which is neutral and non-polar, at codon 149 of the MFAP5 protein (p.Arg149Gly). This variant is present in population databases (no rsID available, gnomAD 0.006%). This variant has not been reported in the literature in individuals affected with MFAP5-related conditions. An algorithm developed to predict the effect of missense changes on protein structure and function (PolyPhen-2) suggests that this variant is likely to be disruptive. In summary, the available evidence is currently insufficient to determine the role of this variant in disease. Therefore, it has been classified as a Variant of Uncertain Significance.

NM_003480.4(MFAP5):c.445A>G (p.Arg149Gly)

Genes: MFAP5 (microfibril associated protein 5; minus strand), LOC126861443 (BRD4-independent group 4 enhancer GRCh37_chr12:8800473-8801672; plus strand). Cytogenetic location: 12p13.31.
Variant type: single nucleotide variant.
Coding change: c.445A>G on transcript NM_003480.4 (MANE Select); coding-DNA position 445, A replaced by G.
Protein change: p.Arg149Gly; replaces arginine 149 with glycine.
Molecular consequence: missense variant. On other transcripts: non-coding transcript variant (2).
Genome position (GRCh38, 1-based): chr12:8,648,168, T>C on the plus strand (A>G on the coding strand, the complement: MFAP5 is on the minus strand). VCF-style: chr12-8648168-T-C. GRCh37 (hg19) VCF-style: chr12-8800764-T-C.
Other names: c.415A>G, p.Arg139Gly (NM_001297709.2); c.379A>G, p.Arg127Gly (NM_001297710.2); c.370A>G, p.Arg124Gly (NM_001297711.2); c.253A>G, p.Arg85Gly (NM_001297712.2); short protein forms R85G, R124G, R127G, R139G, R149G.
Identifiers: ClinVar variation 4778399 (VCV004778399.1).